The following is an entry in ClinVar:

ClinVar aggregate classification (germline): Pathogenic/Likely pathogenic. Review status: criteria provided, multiple submitters, no conflicts (2 of 4 stars). 2 submissions from 2 submitters: Pathogenic (1); Likely pathogenic (1). Last evaluated 2024-12-10.

Conditions:
POLG-related disorder. Also called: POLG-Related Spectrum Disorders; POLG-related condition; POLG-Related Disorders. Identifiers: MedGen C4763519.
Progressive sclerosing poliodystrophy (MTDPS4A). Also called: NEURONAL DEGENERATION OF CHILDHOOD WITH LIVER DISEASE, PROGRESSIVE; ALPERS PROGRESSIVE INFANTILE POLIODYSTROPHY; ALPERS DIFFUSE DEGENERATION OF CEREBRAL GRAY MATTER WITH HEPATIC CIRRHOSIS; Alpers-Huttenlocher Syndrome; Alpers Syndrome; Mitochondrial DNA depletion syndrome 4A (Alpers type). Identifiers: Orphanet 726, MedGen C0205710, MONDO:0008758, OMIM 203700.

Submissions (2):

Myriad Genetics, Inc.
Classification: Pathogenic for POLG-related disorder. Last evaluated: 2024-12-10. Review status: criteria provided, single submitter. Criteria: Myriad Autosomal Dominant, Autosomal Recessive and X-Linked Classification Criteria (2023). Collection method: clinical testing. Allele origin: unknown.
Comment: NM_002693.2(POLG):c.934_935delTG(W312Dfs*75) is expected to be pathogenic in the context of POLG-related disorders. This variant is predicted to lead to an abnormal or absent protein product due to the creation of a premature termination codon in POLG, a gene where loss-of-function variants are known to be pathogenic. Please note: this variant was assessed in the context of healthy population screening.

Baylor Genetics
Classification: Likely pathogenic for Progressive sclerosing poliodystrophy. Last evaluated: 2023-10-22. Review status: criteria provided, single submitter. Criteria: ACMG Guidelines, 2015. Collection method: clinical testing. Allele origin: unknown.

NM_002693.3(POLG):c.934_935del (p.Trp312fs)

Gene: POLG (DNA polymerase gamma, catalytic subunit; minus strand). Cytogenetic location: 15q26.1.
Variant type: Microsatellite.
Coding change: c.934_935del on transcript NM_002693.3 (MANE Select); coding-DNA positions 934 to 935, 2 bases deleted (TG; older notation c.934_935delTG).
Protein change: p.Trp312fs; shifts the reading frame from tryptophan 312.
Molecular consequence: frameshift variant.
Genome position (GRCh38, 1-based): chr15:89,329,031-89,329,032, CA deleted on the plus strand (TG on the coding strand, the reverse complement: POLG is on the minus strand); deleting any 2 consecutive bases within chr15:89,329,031-89,329,034 gives the same sequence; the c. name uses the placement nearest the transcript's 3' end. VCF-style (leftmost placement, unchanged base first): chr15-89329030-CCA-C. GRCh37 (hg19) VCF-style: chr15-89872261-CCA-C.
Other names: c.934_935del, p.Trp312fs (NM_001126131.2); short protein forms W312fs.
Identifiers: ClinVar variation 2677941 (VCV002677941.2), dbSNP rs2509262240, ClinGen allele CA912994745.